The following is an entry in ClinVar:

ClinVar aggregate classification (germline): Benign (0 of 4 stars; one submission).

Conditions:
KIF4B-related disorder. Also called: KIF4B-related condition.

Allele frequency attached by ClinVar (database versions not stated): ESP Exome Variant Server 0.00008; gnomAD 0.00365; TOPMed 0.00451; 1000 Genomes Project 30x 0.01671; 1000 Genomes Project 0.01817.
gnomAD v4.1: 5,556 of 1,612,780 alleles (0.34%); highest among the groups gnomAD compares: East Asian, 11%; 303 homozygotes.

Submission:

PreventionGenetics, part of Exact Sciences
Classification: Benign for KIF4B-related condition. Last evaluated: 2019-06-17. Review status: no assertion criteria provided. Collection method: clinical testing. Allele origin: germline.
Comment: This variant is classified as benign based on ACMG/AMP sequence variant interpretation guidelines (Richards et al. 2015 PMID: 25741868, with internal and published modifications).

NM_001099293.3(KIF4B):c.3687C>T (p.Ile1229=)

Gene: KIF4B (kinesin family member 4B; plus strand). Cytogenetic location: 5q33.2.
Variant type: single nucleotide variant.
Coding change: c.3687C>T on transcript NM_001099293.3 (MANE Select); coding-DNA position 3687, C replaced by T.
Protein change: p.Ile1229=; no amino-acid change (isoleucine 1229 retained).
Molecular consequence: synonymous variant.
Genome position (GRCh38, 1-based): chr5:155,017,546, C>T. VCF-style: chr5-155017546-C-T. GRCh37 (hg19) VCF-style: chr5-154397106-C-T.
Identifiers: ClinVar variation 3034496 (VCV003034496.2), dbSNP rs145343633, ClinGen allele CA3530405.